The following is an entry in ClinVar:

ClinVar aggregate classification (germline): Uncertain significance. Review status: criteria provided, multiple submitters, no conflicts (2 of 4 stars). 2 submissions from 2 submitters: Uncertain significance (2). Last evaluated 2023-08-28.

Conditions:
Emery-Dreifuss muscular dystrophy 4, autosomal dominant (EDMD4). Also called: EMERY-DREIFUSS MUSCULAR DYSTROPHY 4 WITH VARIABLE FEATURES. Identifiers: Orphanet 261, MedGen C2751807, MONDO:0013071, OMIM 612998.
Autosomal recessive ataxia, Beauce type. Also called: Spinocerebellar ataxia, autosomal recessive 8; SYNE1 Deficiency; ATAXIA, RECESSIVE, OF BEAUCE; SYNE1-Related Autosomal Recessive Cerebellar Ataxia. Identifiers: Orphanet 88644, MedGen C1853116, MONDO:0012549, OMIM 610743.

Allele frequency attached by ClinVar (database versions not stated): gnomAD exomes below 0.00001 and 0.00001; ExAC 0.00002; TOPMed 0.00002.
gnomAD v4.1: 11 of 1,614,162 alleles (0.00068%); highest among the groups gnomAD compares: Middle Eastern, 0.016%; no homozygotes.

Submissions (2):

Blueprint Genetics
Classification: Uncertain significance. Last evaluated: 2023-08-28. Review status: criteria provided, single submitter. Criteria: ACMG Guidelines, 2015. Collection method: clinical testing. Allele origin: germline.

Labcorp Genetics (formerly Invitae), Labcorp
Classification: Uncertain significance for Emery-Dreifuss muscular dystrophy 4, autosomal dominant; Autosomal recessive ataxia, Beauce type. Last evaluated: 2020-04-07. Review status: criteria provided, single submitter. Criteria: Invitae Variant Classification Sherloc (09022015). Collection method: clinical testing. Allele origin: germline.
Comment: In summary, the available evidence is currently insufficient to determine the role of this variant in disease. Therefore, it has been classified as a Variant of Uncertain Significance. Algorithms developed to predict the effect of missense changes on protein structure and function (SIFT, PolyPhen-2, Align-GVGD) all suggest that this variant is likely to be disruptive, but these predictions have not been confirmed by published functional studies and their clinical significance is uncertain. This variant has not been reported in the literature in individuals with SYNE1-related conditions. This variant is present in population databases (rs766831979, ExAC 0.01%). This sequence change replaces arginine with glutamine at codon 4349 of the SYNE1 protein (p.Arg4349Gln). The arginine residue is highly conserved and there is a small physicochemical difference between arginine and glutamine.

NM_182961.4(SYNE1):c.13259G>A (p.Arg4420Gln)

Gene: SYNE1 (spectrin repeat containing nuclear envelope protein 1; minus strand). Cytogenetic location: 6q25.2.
Variant type: single nucleotide variant.
Coding change: c.13259G>A on transcript NM_182961.4 (MANE Select); coding-DNA position 13259, G replaced by A.
Protein change: p.Arg4420Gln; replaces arginine 4420 with glutamine.
Molecular consequence: missense variant.
Genome position (GRCh38, 1-based): chr6:152,331,426, C>T on the plus strand (G>A on the coding strand, the complement: SYNE1 is on the minus strand). VCF-style: chr6-152331426-C-T. GRCh37 (hg19) VCF-style: chr6-152652561-C-T.
Other names: c.13046G>A, p.Arg4349Gln (NM_033071.5); short protein forms R4349Q, R4420Q.
Identifiers: ClinVar variation 1062034 (VCV001062034.10), dbSNP rs766831979, ClinGen allele CA4056210.